The following is an entry in ClinVar:

NM_001243226.3(TCF4):c.237G>A (p.Trp79Ter)

Gene: TCF4 (transcription factor 4; minus strand). Cytogenetic location: 18q21.2.
Variant type: single nucleotide variant.
Coding change: c.237G>A on transcript NM_001243226.3; coding-DNA position 237, G replaced by A.
Protein change: p.Trp79Ter; replaces tryptophan 79 with a stop codon.
Molecular consequence: nonsense.
Genome position (GRCh38, 1-based): chr18:55,631,347, C>T on the plus strand (G>A on the coding strand, the complement: TCF4 is on the minus strand). VCF-style: chr18-55631347-C-T. GRCh37 (hg19) VCF-style: chr18-53298578-C-T.
Other names: short protein forms W79*.
Identifiers: ClinVar variation 1683554 (VCV001683554.2), dbSNP rs189262875, ClinGen allele CA8970710.

ClinVar aggregate classification (germline): Uncertain significance (1 of 4 stars; one submission).

Conditions:
Pitt-Hopkins syndrome (PTHS). Also called: ENCEPHALOPATHY, SEVERE EPILEPTIC, WITH AUTONOMIC DYSFUNCTION; MENTAL RETARDATION, SYNDROMAL, WITH INTERMITTENT HYPERVENTILATION. Identifiers: Orphanet 2896, MedGen C1970431, MONDO:0012589, OMIM 610954.

Allele frequency attached by ClinVar (database versions not stated): gnomAD exomes 0.00003 and 0.00001; gnomAD 0.00027 and 0.00025; 1000 Genomes Project 0.00060; 1000 Genomes Project 30x 0.00062; ExAC 0.00015; TOPMed 0.00026.
gnomAD v4.1: 61 of 1,548,670 alleles (0.0039%); highest among the groups gnomAD compares: African/African-American, 0.075%; no homozygotes.

Submission:

Laboratorio de Genetica e Diagnostico Molecular, Hospital Israelita Albert Einstein
Classification: Uncertain significance for Pitt-Hopkins syndrome. Last evaluated: 2021-06-21. Review status: criteria provided, single submitter. Criteria: ACMG Guidelines, 2015. Collection method: clinical testing. Allele origin: germline. Affected: yes.
Comment: ACMG classification criteria: PVS1 very strong, BS1 strong